The following is an entry in ClinVar:

ClinVar aggregate classification (germline): Uncertain significance (1 of 4 stars; one submission).

Conditions:
Parathyroid carcinoma (PRTC). Also called: Parathyroid gland carcinoma; CDC73-Related Parathyroid Carcinoma. Identifiers: Orphanet 143, MedGen C0687150, MONDO:0012004, OMIM 608266, HP:0006780.

Submission:

Labcorp Genetics (formerly Invitae), Labcorp
Classification: Uncertain significance for Parathyroid carcinoma. Last evaluated: 2025-10-23. Review status: criteria provided, single submitter. Criteria: Invitae Variant Classification Sherloc (09022015). Collection method: clinical testing. Allele origin: germline.
Comment: This sequence change replaces leucine, which is neutral and non-polar, with isoleucine, which is neutral and non-polar, at codon 253 of the CDC73 protein (p.Leu253Ile). This variant is not present in population databases (gnomAD no frequency). This variant has not been reported in the literature in individuals affected with CDC73-related conditions. ClinVar contains an entry for this variant (Variation ID: 3640676). Invitae Evidence Modeling of protein sequence and biophysical properties (such as structural, functional, and spatial information, amino acid conservation, physicochemical variation, residue mobility, and thermodynamic stability) indicates that this missense variant is not expected to disrupt CDC73 protein function with a negative predictive value of 80%. In summary, the available evidence is currently insufficient to determine the role of this variant in disease. Therefore, it has been classified as a Variant of Uncertain Significance.

NM_024529.5(CDC73):c.757C>A (p.Leu253Ile)

Gene: CDC73 (cell division cycle 73; plus strand). Cytogenetic location: 1q31.2.
Variant type: single nucleotide variant.
Coding change: c.757C>A on transcript NM_024529.5 (MANE Select); coding-DNA position 757, C replaced by A.
Protein change: p.Leu253Ile; replaces leucine 253 with isoleucine.
Molecular consequence: missense variant.
Genome position (GRCh38, 1-based): chr1:193,147,894, C>A. VCF-style: chr1-193147894-C-A. GRCh37 (hg19) VCF-style: chr1-193117024-C-A.
Other names: short protein forms L253I.
Identifiers: ClinVar variation 3640676 (VCV003640676.2).
Genomic context (GRCh38, chr1:193,147,894, plus strand): 5'-AGTGGGCTTAATTAAAATCCATTTATATTTTAGAATTTTTCCAAGAACATTTTTGCAATT[C>A]TTCAATCTGTAAAAGCCAGAGAAGAAGGGCGTGCACCTGAACAGCGACCTGCCCCAAATG-3'
Protein context (NP_078805.3, residues 243-263): KNFSKNIFAI[Leu253Ile]QSVKAREEGR